The following is an entry in ClinVar:

ClinVar aggregate classification (germline): Likely pathogenic (1 of 4 stars; one submission).

Conditions:
Retinal dystrophy. Also called: Inherited retinal dystrophy. Identifiers: Orphanet 71862, MedGen C0854723, MeSH D058499, MONDO:0019118, HP:0000556.

gnomAD v4.1: 5 of 1,611,752 alleles (0.00031%); highest among the groups gnomAD compares: South Asian, 0.0044%; no homozygotes.

Submission:

Ophthalmic Genetics Group, Institute of Molecular and Clinical Ophthalmology Basel
Classification: Likely pathogenic for Retinal dystrophy. Last evaluated: 2024-05-27. Review status: criteria provided, single submitter. Criteria: ACMG Guidelines, 2015. Collection method: research. Allele origin: germline. Affected: yes. Observed: 1 variant allele.
Comment: This variant was classified as Likely pathogenic based on ACMG criteria: PM1_mod, PM2_mod, PM5_mod and PP3_sup

Literature cited by the submitters: PubMed 20065226; PubMed 21987678; PubMed 40180963.

NM_003322.6(TULP1):c.1138A>G (p.Thr380Ala)

Gene: TULP1 (TUB like protein 1; minus strand). Cytogenetic location: 6p21.31.
Variant type: single nucleotide variant.
Coding change: c.1138A>G on transcript NM_003322.6 (MANE Select); coding-DNA position 1138, A replaced by G.
Protein change: p.Thr380Ala; replaces threonine 380 with alanine.
Molecular consequence: missense variant.
Genome position (GRCh38, 1-based): chr6:35,503,823, T>C on the plus strand (A>G on the coding strand, the complement: TULP1 is on the minus strand). VCF-style: chr6-35503823-T-C. GRCh37 (hg19) VCF-style: chr6-35471600-T-C.
Other names: NC_000006.11:g.35471600T>C; NP_003313.3:p.(Thr380Ala); c.979A>G, p.Thr327Ala (NM_001289395.2); short protein forms T327A, T380A.
Identifiers: ClinVar variation 3381776 (VCV003381776.2).